The following is an entry in ClinVar:

NM_000454.5(SOD1):c.34G>T (p.Asp12Tyr)

Genes: SOD1 (superoxide dismutase 1; plus strand), SOD1-DT (SOD1 divergent transcript; minus strand). Cytogenetic location: 21q22.11.
Variant type: single nucleotide variant.
Coding change: c.34G>T on transcript NM_000454.5 (MANE Select); coding-DNA position 34, G replaced by T.
Protein change: p.Asp12Tyr; replaces aspartic acid 12 with tyrosine.
Molecular consequence: missense variant. On other transcripts: non-coding transcript variant (1).
Genome position (GRCh38, 1-based): chr21:31,659,803, G>T. VCF-style: chr21-31659803-G-T. GRCh37 (hg19) VCF-style: chr21-33032116-G-T.
Other names: p.Asp12Tyr; short protein forms D12Y.
Identifiers: ClinVar variation 2690932 (VCV002690932.3), dbSNP rs762628133, ClinGen allele CA9998857.

ClinVar aggregate classification (germline): Conflicting classifications of pathogenicity. Review status: criteria provided, conflicting classifications (1 of 4 stars). 2 submissions from 2 submitters: Likely pathogenic (1); Uncertain significance (1). Last evaluated 2025-05-08.

Conditions:
Amyotrophic lateral sclerosis type 1 (ALS1). Also called: AMYOTROPHIC LATERAL SCLEROSIS 1, FAMILIAL. Identifiers: Orphanet 803, MedGen C1862939, MONDO:0007103, OMIM 105400.

Allele frequency attached by ClinVar (database versions not stated): ExAC 0.00001; gnomAD 0.00001; TOPMed 0.00001.
gnomAD v4.1: 5 of 1,613,790 alleles (0.00031%); highest among the groups gnomAD compares: Non-Finnish European, 0.00034%; no homozygotes.

Submissions (2):

Mayo Clinic Laboratories, Mayo Clinic
Classification: Uncertain significance. Last evaluated: 2025-05-08. Review status: criteria provided, single submitter. Criteria: ACMG Guidelines, 2015. Collection method: clinical testing. Allele origin: germline. Observed: 1 variant allele.
Comment: BS4, PP3, PS4_moderate

Concord Molecular Medicine Laboratory, Concord Repatriation General Hospital
Classification: Likely pathogenic for Amyotrophic lateral sclerosis type 1. Last evaluated: 2024-01-29. Review status: criteria provided, single submitter. Criteria: ACMG Guidelines, 2015. Collection method: clinical testing. Allele origin: germline. Affected: yes. Observed: 1 homozygote.
Comment: The c.34G>T variant (p.(Asp12Tyr), also known as D11Y) has been reported in multiple heterozygous individuals with ALS1 in Italian population (PMID: 20740631, 21839474, 32987860, 35328090). It was suggested this variant has a founder effect in Italian population with specific phenotype and incomplete penetrance as a dominant trait (PMID: 22292847, 38112783). Described patients with heterozygous SOD1 c.34G>T variant showed slow progression with distal limb involvement, and predominant lower motor neuron signs (PMID: 32250500). It is found in control population at low frequency (rs762628133, gnomAD 0.0003%). In silico analysis suggests this variant to be damaging (REVEL: 0.65). The variant is in the critical superoxide dismutase copper/zinc binding domain (IPR001424). The current evidence allows a classification of the variant as “likely pathogenic” (ACMG criteria: PM1, PM2_supporting, PM3_supporting, PP1_moderate, PP3).

Literature cited by the submitters: PubMed 20740631 (cited by Mayo Clinic Laboratories, Mayo Clinic); PubMed 21839474 (cited by Mayo Clinic Laboratories, Mayo Clinic); PubMed 22292847 (cited by Mayo Clinic Laboratories, Mayo Clinic); PubMed 32250500 (cited by Mayo Clinic Laboratories, Mayo Clinic); PubMed 32987860 (cited by Mayo Clinic Laboratories, Mayo Clinic); PubMed 35328090 (cited by Mayo Clinic Laboratories, Mayo Clinic); PubMed 36376198 (cited by Mayo Clinic Laboratories, Mayo Clinic); PubMed 38112783 (cited by Mayo Clinic Laboratories, Mayo Clinic).